The following is an entry in ClinVar:

NM_000124.4(ERCC6):c.2030C>T (p.Pro677Leu)

Gene: ERCC6 (ERCC excision repair 6, chromatin remodeling factor; minus strand). Cytogenetic location: 10q11.23.
Variant type: single nucleotide variant.
Coding change: c.2030C>T on transcript NM_000124.4 (MANE Select); coding-DNA position 2030, C replaced by T.
Protein change: p.Pro677Leu; replaces proline 677 with leucine.
Molecular consequence: missense variant.
Genome position (GRCh38, 1-based): chr10:49,482,826, G>A on the plus strand (C>T on the coding strand, the complement: ERCC6 is on the minus strand). VCF-style: chr10-49482826-G-A. GRCh37 (hg19) VCF-style: chr10-50690872-G-A.
Other names: c.2030C>T, p.Pro677Leu (NM_001346440.2); short protein forms P677L.
Identifiers: ClinVar variation 1937302 (VCV001937302.2), dbSNP rs749619397, ClinGen allele CA206595768.

ClinVar aggregate classification (germline): Uncertain significance (1 of 4 stars; one submission).

gnomAD v4.1: 4 of 1,613,878 alleles (0.00025%); highest among the groups gnomAD compares: Non-Finnish European, 0.00025%; no homozygotes.

Submission:

Labcorp Genetics (formerly Invitae), Labcorp
Classification: Uncertain significance. Last evaluated: 2022-05-31. Review status: criteria provided, single submitter. Criteria: Invitae Variant Classification Sherloc (09022015). Collection method: clinical testing. Allele origin: germline.
Comment: This sequence change replaces proline, which is neutral and non-polar, with leucine, which is neutral and non-polar, at codon 677 of the ERCC6 protein (p.Pro677Leu). This variant is not present in population databases (gnomAD no frequency). This variant has not been reported in the literature in individuals affected with ERCC6-related conditions. Algorithms developed to predict the effect of missense changes on protein structure and function (SIFT, PolyPhen-2, Align-GVGD) all suggest that this variant is likely to be disruptive. In summary, the available evidence is currently insufficient to determine the role of this variant in disease. Therefore, it has been classified as a Variant of Uncertain Significance.